The following is an entry in ClinVar:

ClinVar aggregate classification (germline): Uncertain significance. Review status: criteria provided, multiple submitters, no conflicts (2 of 4 stars). 2 submissions from 2 submitters: Uncertain significance (2). Last evaluated 2023-01-12.

Conditions:
Charcot-Marie-Tooth disease axonal type 2Z. Also called: CHARCOT-MARIE-TOOTH DISEASE, AXONAL, AUTOSOMAL DOMINANT, TYPE 2Z; CHARCOT-MARIE-TOOTH NEUROPATHY, TYPE 2Z. Identifiers: Orphanet 466768, MedGen C5569025, MONDO:0014736, OMIM 616688.

Allele frequency attached by ClinVar (database versions not stated): gnomAD exomes below 0.00001; ExAC 0.00001.
gnomAD v4.1: 10 of 1,614,114 alleles (0.00062%); highest among the groups gnomAD compares: Admixed American, 0.0033%; no homozygotes.

Submissions (2):

Revvity Omics, Revvity
Classification: Uncertain significance. Last evaluated: 2023-01-12. Review status: criteria provided, single submitter. Criteria: ACMG Guidelines, 2015. Collection method: clinical testing. Allele origin: germline.

Labcorp Genetics (formerly Invitae), Labcorp
Classification: Uncertain significance for Charcot-Marie-Tooth disease axonal type 2Z. Last evaluated: 2022-06-01. Review status: criteria provided, single submitter. Criteria: Invitae Variant Classification Sherloc (09022015). Collection method: clinical testing. Allele origin: germline.
Comment: Advanced modeling of protein sequence and biophysical properties (such as structural, functional, and spatial information, amino acid conservation, physicochemical variation, residue mobility, and thermodynamic stability) performed at Invitae indicates that this missense variant is expected to disrupt MORC2 protein function. This sequence change replaces arginine, which is basic and polar, with histidine, which is basic and polar, at codon 343 of the MORC2 protein (p.Arg343His). This variant is present in population databases (rs753651729, gnomAD 0.003%). This variant has not been reported in the literature in individuals affected with MORC2-related conditions. ClinVar contains an entry for this variant (Variation ID: 475604). In summary, the available evidence is currently insufficient to determine the role of this variant in disease. Therefore, it has been classified as a Variant of Uncertain Significance.

NM_001303256.3(MORC2):c.1028G>A (p.Arg343His)

Gene: MORC2 (MORC family CW-type zinc finger 2; minus strand). Cytogenetic location: 22q12.2.
Variant type: single nucleotide variant.
Coding change: c.1028G>A on transcript NM_001303256.3 (MANE Select); coding-DNA position 1028, G replaced by A.
Protein change: p.Arg343His; replaces arginine 343 with histidine.
Molecular consequence: missense variant.
Genome position (GRCh38, 1-based): chr22:30,939,666, C>T on the plus strand (G>A on the coding strand, the complement: MORC2 is on the minus strand). VCF-style: chr22-30939666-C-T. GRCh37 (hg19) VCF-style: chr22-31335653-C-T.
Other names: c.1028G>A, p.Arg343His (NM_001303257.2); c.842G>A, p.Arg281His (NM_014941.3); short protein forms R343H, R281H.
Identifiers: ClinVar variation 475604 (VCV000475604.8), dbSNP rs753651729, ClinGen allele CA10187055.